The following is an entry in ClinVar:

NM_000222.3(KIT):c.493_494delinsTT (p.Asp165Phe)

Gene: KIT (KIT proto-oncogene, receptor tyrosine kinase; plus strand). Cytogenetic location: 4q12.
Variant type: Indel.
Coding change: c.493_494delinsTT on transcript NM_000222.3 (MANE Select); coding-DNA positions 493 to 494, GA replaced by TT.
Protein change: p.Asp165Phe; replaces aspartic acid 165 with phenylalanine.
Molecular consequence: missense variant.
Genome position (GRCh38, 1-based): chr4:54,698,439-54,698,440, GA replaced by TT. VCF-style: chr4-54698439-GA-TT. GRCh37 (hg19) VCF-style: chr4-55564605-GA-TT.
Other names: c.493_494delinsTT, p.Asp165Phe (NM_001093772.2, NM_001385284.1, NM_001385285.1 and 4 more transcripts); short protein forms D165F.
Identifiers: ClinVar variation 3610285 (VCV003610285.2).

ClinVar aggregate classification (germline): Uncertain significance. Review status: criteria provided, multiple submitters, no conflicts (2 of 4 stars). 2 submissions from 2 submitters: Uncertain significance (2). Last evaluated 2025-11-25.

Conditions:
Gastrointestinal stromal tumor. Also called: Gastrointestinal stromal tumor, somatic; Gastrointestinal stroma tumor. Identifiers: Orphanet 44890, MedGen C0238198, MeSH D046152, MONDO:0011719, OMIM 606764, HP:0100723.
Hereditary cancer-predisposing syndrome. Also called: Neoplastic Syndromes, Hereditary; Tumor predisposition; Hereditary Cancer Syndrome; Hereditary neoplastic syndrome. Identifiers: Orphanet 140162, MedGen C0027672, MeSH D009386, MONDO:0015356.

Submissions (2):

Ambry Genetics
Classification: Uncertain significance for Hereditary cancer-predisposing syndrome. Last evaluated: 2025-11-25. Review status: criteria provided, single submitter. Criteria: Ambry Variant Classification Scheme 2023. Collection method: clinical testing. Allele origin: germline.
Comment: The c.493_494delGAinsTT variant, located in coding exon 3 of the KIT gene, results from an in-frame deletion of GA and insertion of TT at nucleotide positions 493 to 494. This results in the substitution of the aspartic acid residue for a phenylalanine residue at codon 165, an amino acid with highly dissimilar properties. This amino acid position is not well conserved in available vertebrate species. In addition, the in silico prediction for this variant is inconclusive (Choi Y et al. PLoS ONE. 2012; 7(10):e46688). Based on the available evidence, the clinical significance of this variant remains unclear.

Labcorp Genetics (formerly Invitae), Labcorp
Classification: Uncertain significance for Gastrointestinal stromal tumor. Last evaluated: 2024-05-02. Review status: criteria provided, single submitter. Criteria: Invitae Variant Classification Sherloc (09022015). Collection method: clinical testing. Allele origin: germline.
Comment: This sequence change replaces aspartic acid, which is acidic and polar, with phenylalanine, which is neutral and non-polar, at codon 165 of the KIT protein (p.Asp165Phe). Information on the frequency of this variant in the gnomAD database is not available, as this variant may be reported differently in the database. This variant has not been reported in the literature in individuals affected with KIT-related conditions. An algorithm developed to predict the effect of missense changes on protein structure and function (PolyPhen-2) suggests that this variant is likely to be disruptive. In summary, the available evidence is currently insufficient to determine the role of this variant in disease. Therefore, it has been classified as a Variant of Uncertain Significance.